The following is an entry in ClinVar:

NM_000264.5(PTCH1):c.1754T>G (p.Phe585Cys)

Genes: PTCH1 (patched 1; minus strand), LOC100507346 (uncharacterized LOC100507346; plus strand). Cytogenetic location: 9q22.32.
Variant type: single nucleotide variant.
Coding change: c.1754T>G on transcript NM_000264.5 (MANE Select); coding-DNA position 1754, T replaced by G.
Protein change: p.Phe585Cys; replaces phenylalanine 585 with cysteine.
Molecular consequence: missense variant. On other transcripts: non-coding transcript variant (2).
Genome position (GRCh38, 1-based): chr9:95,469,906, A>C on the plus strand (T>G on the coding strand, the complement: PTCH1 is on the minus strand). VCF-style: chr9-95469906-A-C. GRCh37 (hg19) VCF-style: chr9-98232188-A-C.
Other names: c.1556T>G, p.Phe519Cys (NM_001083602.3); c.1751T>G, p.Phe584Cys (NM_001083603.3); c.1301T>G, p.Phe434Cys (NM_001083604.3, NM_001083605.3, NM_001083606.3 and 1 more transcripts); c.1598T>G, p.Phe533Cys (NM_001354918.2); short protein forms F519C, F533C, F585C, F434C, F584C.
Identifiers: ClinVar variation 3311201 (VCV003311201.2).

ClinVar aggregate classification (germline): Uncertain significance (1 of 4 stars; one submission).

Conditions:
Hereditary cancer-predisposing syndrome. Also called: Neoplastic Syndromes, Hereditary; Tumor predisposition; Hereditary Cancer Syndrome; Hereditary neoplastic syndrome. Identifiers: Orphanet 140162, MedGen C0027672, MeSH D009386, MONDO:0015356.

gnomAD v4.1: 1 of 1,614,044 alleles (0.000062%); highest among the groups gnomAD compares: Non-Finnish European, 0.000085%; no homozygotes.

Submission:

Ambry Genetics
Classification: Uncertain significance for Hereditary cancer-predisposing syndrome. Last evaluated: 2026-05-06. Review status: criteria provided, single submitter. Criteria: Ambry Variant Classification Scheme 2023. Collection method: clinical testing. Allele origin: germline.
Comment: The p.F585C variant (also known as c.1754T>G), located in coding exon 13 of the PTCH1 gene, results from a T to G substitution at nucleotide position 1754. The phenylalanine at codon 585 is replaced by cysteine, an amino acid with highly dissimilar properties. This amino acid position is conserved. In addition, this alteration is predicted to be deleterious by in silico analysis. Based on the available evidence, the clinical significance of this variant remains unclear.